The following is an entry in ClinVar:

NM_015158.5(KANK1):c.980G>C (p.Gly327Ala)

Gene: KANK1 (KN motif and ankyrin repeat domains 1; plus strand). Cytogenetic location: 9p24.3.
Variant type: single nucleotide variant.
Coding change: c.980G>C on transcript NM_015158.5 (MANE Select); coding-DNA position 980, G replaced by C.
Protein change: p.Gly327Ala; replaces glycine 327 with alanine.
Molecular consequence: missense variant. On other transcripts: non-coding transcript variant (1).
Genome position (GRCh38, 1-based): chr9:711,746, G>C. VCF-style: chr9-711746-G-C. GRCh37 (hg19) VCF-style: chr9-711746-G-C.
Other names: c.980G>C, p.Gly327Ala (NM_001256876.3, NM_001256877.3, NM_001354331.2 and 2 more transcripts); c.506G>C, p.Gly169Ala (NM_001354333.2, NM_001354335.2, NM_001354336.2 and 9 more transcripts); short protein forms G169A, G327A.
Identifiers: ClinVar variation 1510956 (VCV001510956.8), dbSNP rs1270381982, ClinGen allele CA372747266.

ClinVar aggregate classification (germline): Uncertain significance (1 of 4 stars; one submission).

Allele frequency attached by ClinVar (database versions not stated): gnomAD 0.00001; gnomAD exomes 0.00001; TOPMed 0.00001.
gnomAD v4.1: 4 of 1,614,102 alleles (0.00025%); highest among the groups gnomAD compares: Non-Finnish European, 0.00025%; no homozygotes.

Submission:

Labcorp Genetics (formerly Invitae), Labcorp
Classification: Uncertain significance. Last evaluated: 2021-06-09. Review status: criteria provided, single submitter. Criteria: Invitae Variant Classification Sherloc (09022015). Collection method: clinical testing. Allele origin: germline.
Comment: In summary, the available evidence is currently insufficient to determine the role of this variant in disease. Therefore, it has been classified as a Variant of Uncertain Significance. Algorithms developed to predict the effect of missense changes on protein structure and function are either unavailable or do not agree on the potential impact of this missense change (SIFT: "Deleterious"; PolyPhen-2: "Probably Damaging"; Align-GVGD: "Class C0"). This variant has not been reported in the literature in individuals with KANK1-related conditions. This variant is not present in population databases (ExAC no frequency). This sequence change replaces glycine with alanine at codon 327 of the KANK1 protein (p.Gly327Ala). The glycine residue is highly conserved and there is a small physicochemical difference between glycine and alanine.